The following is an entry in ClinVar:

ClinVar aggregate classification (germline): Uncertain significance (1 of 4 stars; one submission).

Conditions:
Frontotemporal dementia and/or amyotrophic lateral sclerosis 1 (FTDALS1). Also called: Frontotemporal dementia with motor neuron disease 1; C9orf72 Frontotemporal Dementia and/or Amyotrophic Lateral Sclerosis. Identifiers: Orphanet 275872, MedGen C5779877, MONDO:0007105, OMIM 105550.
Paget disease of bone 2, early-onset (PDB2). Also called: Paget disease of bone 2. Identifiers: MedGen C4085251, MONDO:0011183, OMIM 602080.

Allele frequency attached by ClinVar (database versions not stated): ESP Exome Variant Server 0.00008.
gnomAD v4.1: 2 of 1,613,788 alleles (0.00012%); highest among the groups gnomAD compares: Non-Finnish European, 0.00017%; no homozygotes.

Submission:

Labcorp Genetics (formerly Invitae), Labcorp
Classification: Uncertain significance for Paget disease of bone 2, early-onset; Frontotemporal dementia and/or amyotrophic lateral sclerosis 1. Last evaluated: 2023-10-08. Review status: criteria provided, single submitter. Criteria: Invitae Variant Classification Sherloc (09022015). Collection method: clinical testing. Allele origin: germline.
Comment: This sequence change replaces arginine, which is basic and polar, with leucine, which is neutral and non-polar, at codon 161 of the SQSTM1 protein (p.Arg161Leu). This variant is present in population databases (rs118160361, gnomAD 0.0009%). This variant has not been reported in the literature in individuals affected with SQSTM1-related conditions. Advanced modeling of protein sequence and biophysical properties (such as structural, functional, and spatial information, amino acid conservation, physicochemical variation, residue mobility, and thermodynamic stability) performed at Invitae indicates that this missense variant is not expected to disrupt SQSTM1 protein function. In summary, the available evidence is currently insufficient to determine the role of this variant in disease. Therefore, it has been classified as a Variant of Uncertain Significance.

NM_003900.5(SQSTM1):c.482G>T (p.Arg161Leu)

Gene: SQSTM1 (sequestosome 1; plus strand). Cytogenetic location: 5q35.3.
Variant type: single nucleotide variant.
Coding change: c.482G>T on transcript NM_003900.5 (MANE Select); coding-DNA position 482, G replaced by T.
Protein change: p.Arg161Leu; replaces arginine 161 with leucine.
Molecular consequence: missense variant.
Genome position (GRCh38, 1-based): chr5:179,824,038, G>T. VCF-style: chr5-179824038-G-T. GRCh37 (hg19) VCF-style: chr5-179251038-G-T.
Other names: c.230G>T, p.Arg77Leu (NM_001142298.2, NM_001142299.2); short protein forms R161L, R77L.
Identifiers: ClinVar variation 2952189 (VCV002952189.3), dbSNP rs118160361, ClinGen allele CA3600523.